The following is an entry in ClinVar:

NM_030962.4(SBF2):c.1442C>G (p.Thr481Arg)

Gene: SBF2 (SET binding factor 2; minus strand). Cytogenetic location: 11p15.4.
Variant type: single nucleotide variant.
Coding change: c.1442C>G on transcript NM_030962.4 (MANE Select); coding-DNA position 1442, C replaced by G.
Protein change: p.Thr481Arg; replaces threonine 481 with arginine.
Molecular consequence: missense variant.
Genome position (GRCh38, 1-based): chr11:9,968,499, G>C on the plus strand (C>G on the coding strand, the complement: SBF2 is on the minus strand). VCF-style: chr11-9968499-G-C. GRCh37 (hg19) VCF-style: chr11-9990046-G-C.
Other names: c.1442C>G, p.Thr481Arg (NM_001386339.1); c.1313C>G, p.Thr438Arg (NM_001386342.1); short protein forms T438R, T481R.
Identifiers: ClinVar variation 1502884 (VCV001502884.8), dbSNP rs2134388086, ClinGen allele CA379630476.

ClinVar aggregate classification (germline): Uncertain significance (1 of 4 stars; one submission).

Conditions:
Charcot-Marie-Tooth disease type 4. Also called: Charcot-Marie-Tooth disease, type IV; Charcot-Marie-Tooth, Type 4. Identifiers: Orphanet 64749, MedGen C4082197, MONDO:0018995.

Submission:

Labcorp Genetics (formerly Invitae), Labcorp
Classification: Uncertain significance for Charcot-Marie-Tooth disease type 4. Last evaluated: 2021-01-12. Review status: criteria provided, single submitter. Criteria: Invitae Variant Classification Sherloc (09022015). Collection method: clinical testing. Allele origin: germline.
Comment: This sequence change replaces threonine with arginine at codon 481 of the SBF2 protein (p.Thr481Arg). The threonine residue is moderately conserved and there is a moderate physicochemical difference between threonine and arginine. In summary, the available evidence is currently insufficient to determine the role of this variant in disease. Therefore, it has been classified as a Variant of Uncertain Significance. Algorithms developed to predict the effect of missense changes on protein structure and function are either unavailable or do not agree on the potential impact of this missense change (SIFT: "Tolerated"; PolyPhen-2: "Possibly Damaging"; Align-GVGD: "Class C0"). This variant has not been reported in the literature in individuals with SBF2-related conditions. This variant is not present in population databases (ExAC no frequency).